The following is an entry in ClinVar:

NM_001267550.2(TTN):c.82415_82419dup (p.Ser27474fs)

Genes: TTN (titin; minus strand), TTN-AS1 (TTN antisense RNA 1; plus strand). Cytogenetic location: 2q31.2.
Variant type: Duplication.
Coding change: c.82415_82419dup on transcript NM_001267550.2 (MANE Select); coding-DNA positions 82415 to 82419, 5 bases duplicated (CTCCC; older notation c.82415_82419dupCTCCC).
Protein change: p.Ser27474fs; shifts the reading frame from serine 27474.
Molecular consequence: frameshift variant.
Genome position (GRCh38, 1-based): chr2:178,563,713-178,563,717, GGGAG duplicated on the plus strand (CTCCC on the coding strand, the reverse complement: TTN is on the minus strand); duplicating any 5 consecutive bases within chr2:178,563,713-178,563,718 gives the same sequence; the c. name uses the placement nearest the transcript's 3' end. VCF-style (leftmost placement, unchanged base first): chr2-178563712-A-AGGGAG. GRCh37 (hg19) VCF-style: chr2-179428439-A-AGGGAG.
Other names: c.77492_77496dup, p.Ser25833fs (NM_001256850.1); c.55220_55224dup, p.Ser18409fs (NM_003319.4); c.74711_74715dup, p.Ser24906fs (NM_133378.4); c.55595_55599dup, p.Ser18534fs (NM_133432.3); c.55796_55800dup, p.Ser18601fs (NM_133437.4); short protein forms S18409fs, S18534fs, S18601fs, S25833fs, S24906fs, S27474fs.
Identifiers: ClinVar variation 2023471 (VCV002023471.4), dbSNP rs2468177439, ClinGen allele CA2580064723.

ClinVar aggregate classification (germline): Likely pathogenic (1 of 4 stars; one submission).

Conditions:
Autosomal recessive limb-girdle muscular dystrophy type 2J (LGMDR10). Also called: Limb-girdle muscular dystrophy, type 2J; MUSCULAR DYSTROPHY, LIMB-GIRDLE, AUTOSOMAL RECESSIVE 10. Identifiers: Orphanet 140922, MedGen C1837342, MONDO:0012127, OMIM 608807.
Dilated cardiomyopathy 1G (CMD1G). Identifiers: Orphanet 154, MedGen C1858763, MONDO:0011400, OMIM 604145.

Submission:

Labcorp Genetics (formerly Invitae), Labcorp
Classification: Likely pathogenic for Dilated cardiomyopathy 1G; Autosomal recessive limb-girdle muscular dystrophy type 2J. Last evaluated: 2022-09-03. Review status: criteria provided, single submitter. Criteria: Invitae Variant Classification Sherloc (09022015). Collection method: clinical testing. Allele origin: germline.
Comment: This sequence change creates a premature translational stop signal (p.Ser27474Leufs*16) in the TTN gene. While this is not anticipated to result in nonsense mediated decay, it is expected to create a truncated TTN protein. In summary, the currently available evidence indicates that the variant is pathogenic, but additional data are needed to prove that conclusively. Therefore, this variant has been classified as Likely Pathogenic. This variant is located in the A band of TTN (PMID: 25589632). Truncating variants in this region are significantly overrepresented in patients affected with dilated cardiomyopathy (PMID: 25589632). Truncating variants in this region have also been reported in individuals affected with autosomal recessive centronuclear myopathy (PMID: 23975875). This variant has not been reported in the literature in individuals affected with TTN-related conditions. This variant is not present in population databases (gnomAD no frequency).

Literature cited by the submitters: PubMed 25589632; PubMed 23975875.